The following is an entry in ClinVar:

ClinVar aggregate classification (germline): Uncertain significance. Review status: criteria provided, multiple submitters, no conflicts (2 of 4 stars). 3 submissions from 3 submitters: Uncertain significance (3). Last evaluated 2025-08-14.

Allele frequency attached by ClinVar (database versions not stated): TOPMed 0.00001.

Submissions (3):

Ambry Genetics
Classification: Uncertain significance. Last evaluated: 2025-08-14. Review status: criteria provided, single submitter. Criteria: Ambry Variant Classification Scheme 2023. Collection method: clinical testing. Allele origin: germline.

Labcorp Genetics (formerly Invitae), Labcorp
Classification: Uncertain significance. Last evaluated: 2022-07-26. Review status: criteria provided, single submitter. Criteria: Invitae Variant Classification Sherloc (09022015). Collection method: clinical testing. Allele origin: germline.
Comment: In summary, the available evidence is currently insufficient to determine the role of this variant in disease. Therefore, it has been classified as a Variant of Uncertain Significance. Algorithms developed to predict the effect of missense changes on protein structure and function output the following: SIFT: "Not Available"; PolyPhen-2: "Benign"; Align-GVGD: "Not Available". The threonine amino acid residue is found in multiple mammalian species, which suggests that this missense change does not adversely affect protein function. ClinVar contains an entry for this variant (Variation ID: 1047619). This variant has not been reported in the literature in individuals affected with CEP250-related conditions. This variant is not present in population databases (gnomAD no frequency). This sequence change replaces alanine, which is neutral and non-polar, with threonine, which is neutral and polar, at codon 415 of the CEP250 protein (p.Ala415Thr).

Blueprint Genetics
Classification: Uncertain significance. Last evaluated: 2022-01-29. Review status: criteria provided, single submitter. Criteria: ACMG Guidelines, 2015. Collection method: clinical testing. Allele origin: germline.

NM_007186.6(CEP250):c.1243G>A (p.Ala415Thr)

Genes: CEP250 (centrosomal protein 250; plus strand), CEP250-AS1 (CEP250 antisense RNA 1; minus strand). Cytogenetic location: 20q11.22.
Variant type: single nucleotide variant.
Coding change: c.1243G>A on transcript NM_007186.6 (MANE Select); coding-DNA position 1243, G replaced by A.
Protein change: p.Ala415Thr; replaces alanine 415 with threonine.
Molecular consequence: missense variant. On other transcripts: 5 prime UTR variant (1).
Genome position (GRCh38, 1-based): chr20:35,473,407, G>A. VCF-style: chr20-35473407-G-A. GRCh37 (hg19) VCF-style: chr20-34061232-G-A.
Other names: c.1243G>A (NM_007186.3); c.-657G>A (NM_001318219.1); short protein forms A415T.
Identifiers: ClinVar variation 1047619 (VCV001047619.9), dbSNP rs568247716, ClinGen allele CA408760929.